The following is an entry in ClinVar:

ClinVar aggregate classification (germline): Benign (0 of 4 stars; one submission).

Conditions:
SLC25A5-related disorder. Also called: SLC25A5-related condition.

Allele frequency attached by ClinVar (database versions not stated): 1000 Genomes Project 30x 0.20395.

Submission:

PreventionGenetics, part of Exact Sciences
Classification: Benign for SLC25A5-related condition. Last evaluated: 2019-09-24. Review status: no assertion criteria provided. Collection method: clinical testing. Allele origin: germline.
Comment: This variant is classified as benign based on ACMG/AMP sequence variant interpretation guidelines (Richards et al. 2015 PMID: 25741868, with internal and published modifications).

NM_001152.5(SLC25A5):c.360T>C (p.Gly120=)

Gene: SLC25A5 (solute carrier family 25 member 5; plus strand). Cytogenetic location: Xq24.
Variant type: single nucleotide variant.
Coding change: c.360T>C on transcript NM_001152.5 (MANE Select); coding-DNA position 360, T replaced by C.
Protein change: p.Gly120=; no amino-acid change (glycine 120 retained).
Molecular consequence: synonymous variant.
Genome position (GRCh38, 1-based): chrX:119,469,909, T>C. VCF-style: chrX-119469909-T-C. GRCh37 (hg19) VCF-style: chrX-118603872-T-C.
Identifiers: ClinVar variation 3061010 (VCV003061010.2), dbSNP rs756320158, ClinGen allele CA10502063.